The following is an entry in ClinVar:

NM_000521.4(HEXB):c.772-2_772-1delinsCC

Gene: HEXB (hexosaminidase subunit beta; plus strand). Cytogenetic location: 5q13.3.
Variant type: Indel.
Coding change: c.772-2_772-1delinsCC on transcript NM_000521.4 (MANE Select); the canonical splice acceptor site of the intron before coding-DNA position 772, AG replaced by CC.
Molecular consequence: splice acceptor variant.
Genome position (GRCh38, 1-based): chr5:74,713,504-74,713,505, AG replaced by CC. VCF-style: chr5-74713504-AG-CC. GRCh37 (hg19) VCF-style: chr5-74009329-AG-CC.
Other names: c.97-2_97-1delinsCC (NM_001292004.2).
Identifiers: ClinVar variation 5003613 (VCV005003613.1).

ClinVar aggregate classification (germline): Likely pathogenic (1 of 4 stars; one submission).

Conditions:
Sandhoff disease. Also called: Beta-hexosaminidase-beta-subunit deficiency; GM2 gangliosidosis, type 2; Total hexosaminidase deficiency; Sandhoff-Jatzkewitz-Pilz disease; GM2-GANGLIOSIDOSIS, TYPE II; HEXOSAMINIDASES A AND B DEFICIENCY. Identifiers: Orphanet 796, MedGen C0036161, MONDO:0010006, OMIM 268800.

Submission:

Myriad Genetics, Inc.
Classification: Likely pathogenic for Sandhoff disease. Last evaluated: 2026-09-04. Review status: criteria provided, single submitter. Criteria: Myriad Autosomal Dominant, Autosomal Recessive and X-Linked Classification Criteria (2023). Collection method: clinical testing. Allele origin: unknown.
Comment: NM_000521.3(HEXB):c.772-2_772-1delAGinsCC is a variant in a canonical splice site classified as likely pathogenic in the context of Sandhoff disease. c.772-2_772-1delAGinsCC has not been observed in cases with relevant disease. Relevant functional assessments of this variant are not available in the literature. c.772-2_772-1delAGinsCC has not been observed in referenced population frequency databases. In summary, NM_000521.3(HEXB):c.772-2_772-1delAGinsCC is a variant in a canonical splice site in a gene where loss of function is a known mechanism of disease and is predicted to disrupt protein function. Please note: this variant was assessed in the context of healthy population screening.